The following is an entry in ClinVar:

ClinVar aggregate classification (germline): Uncertain significance. Review status: criteria provided, multiple submitters, no conflicts (2 of 4 stars). 6 submissions from 6 submitters: Uncertain significance (6). Last evaluated 2026-03-03.

Conditions:
Hereditary cancer-predisposing syndrome. Also called: Hereditary neoplastic syndrome; Neoplastic Syndromes, Hereditary; Hereditary Cancer Syndrome; Tumor predisposition. Identifiers: Orphanet 140162, MedGen C0027672, MeSH D009386, MONDO:0015356.

Allele frequency attached by ClinVar (database versions not stated): gnomAD exomes 0.00002; ExAC 0.00003; gnomAD 0.00006.
gnomAD v4.1: 32 of 1,612,106 alleles (0.002%); highest among the groups gnomAD compares: East Asian, 0.0022%; no homozygotes.

Submissions (6):

Ambry Genetics
Classification: Uncertain significance for Hereditary cancer-predisposing syndrome. Last evaluated: 2026-03-03. Review status: criteria provided, single submitter. Criteria: Ambry Variant Classification Scheme 2023. Collection method: clinical testing. Allele origin: germline.

Labcorp Genetics (formerly Invitae), Labcorp
Classification: Uncertain significance. Last evaluated: 2025-12-14. Review status: criteria provided, single submitter. Criteria: Invitae Variant Classification Sherloc (09022015). Collection method: clinical testing. Allele origin: germline.
Comment: This sequence change replaces glycine, which is neutral and non-polar, with arginine, which is basic and polar, at codon 2014 of the POLE protein (p.Gly2014Arg). This variant is present in population databases (rs767749736, gnomAD 0.03%). This variant has not been reported in the literature in individuals affected with POLE-related conditions. ClinVar contains an entry for this variant (Variation ID: 405667). Invitae Evidence Modeling of protein sequence and biophysical properties (such as structural, functional, and spatial information, amino acid conservation, physicochemical variation, residue mobility, and thermodynamic stability) indicates that this missense variant is not expected to disrupt POLE protein function with a negative predictive value of 80%. In summary, the available evidence is currently insufficient to determine the role of this variant in disease. Therefore, it has been classified as a Variant of Uncertain Significance.

Dasa
Classification: Uncertain significance. Last evaluated: 2025-07-11. Review status: criteria provided, single submitter. Criteria: DASA Assertion Criteria. Collection method: clinical testing. Allele origin: germline.
Comment: NM_006231.4(POLE):c.6040G>A (p.Gly2014Arg) is a missense variant that results in the substitution of glycine with arginine. This variant is rare in population databases. Computational prediction algorithms are consistent with a benign effect. The currently available literature and clinical evidence are not sufficient to establish a definitive association between this variant and the reported condition. Therefore, this variant is classified as a variant of uncertain significance.

Women's Health and Genetics/Laboratory Corporation of America, LabCorp
Classification: Uncertain significance. Last evaluated: 2025-05-30. Review status: criteria provided, single submitter. Criteria: LabCorp Variant Classification Summary - May 2015. Collection method: clinical testing. Allele origin: germline.
Comment: Variant summary: POLE c.6040G>A (p.Gly2014Arg) results in a non-conservative amino acid change in the encoded protein sequence. Algorithms developed to predict the effect of missense changes on protein structure and function are either unavailable or do not agree on the potential impact of this missense change. The variant allele was found at a frequency of 2e-05 in 247466 control chromosomes. The available data on variant occurrences in the general population are insufficient to allow any conclusion about variant significance. To our knowledge, no occurrence of c.6040G>A in individuals affected with Facial Dysmorphism, Immunodeficiency, Livedo, And Short Stature and no experimental evidence demonstrating its impact on protein function have been reported. ClinVar contains an entry for this variant (Variation ID: 405667). Based on the evidence outlined above, the variant was classified as uncertain significance.

Blueprint Genetics
Classification: Uncertain significance. Last evaluated: 2024-06-28. Review status: criteria provided, single submitter. Criteria: ACMG Guidelines, 2015. Collection method: clinical testing. Allele origin: germline.

GeneDx
Classification: Uncertain significance. Last evaluated: 2024-03-13. Review status: criteria provided, single submitter. Criteria: GeneDx Variant Classification Process June 2021. Collection method: clinical testing. Allele origin: germline. Affected: yes.
Comment: In silico analysis supports that this missense variant does not alter protein structure/function; Has not been previously published as pathogenic or benign to our knowledge

NM_006231.4(POLE):c.6040G>A (p.Gly2014Arg)

Gene: POLE (DNA polymerase epsilon, catalytic subunit; minus strand). Cytogenetic location: 12q24.33.
Variant type: single nucleotide variant.
Coding change: c.6040G>A on transcript NM_006231.4 (MANE Select); coding-DNA position 6040, G replaced by A.
Protein change: p.Gly2014Arg; replaces glycine 2014 with arginine.
Molecular consequence: missense variant.
Genome position (GRCh38, 1-based): chr12:132,632,760, C>T on the plus strand (G>A on the coding strand, the complement: POLE is on the minus strand). VCF-style: chr12-132632760-C-T. GRCh37 (hg19) VCF-style: chr12-133209346-C-T.
Other names: c.6040G>A (NM_006231.2); short protein forms G2014R.
Identifiers: ClinVar variation 405667 (VCV000405667.20), dbSNP rs767749736, ClinGen allele CA6892302.